The following is an entry in ClinVar:

ClinVar aggregate classification (germline): Uncertain significance (1 of 4 stars; one submission).

Submission:

Greenwood Genetic Center Diagnostic Laboratories, Greenwood Genetic Center
Classification: Uncertain significance. Last evaluated: 2021-07-27. Review status: criteria provided, single submitter. Criteria: ACMG Guidelines, 2015. Collection method: clinical testing. Allele origin: germline. Affected: yes.
Comment: PP3, PM2

NM_003361.4(UMOD):c.155G>T (p.Cys52Phe)

Gene: UMOD (uromodulin; minus strand). Cytogenetic location: 16p12.3.
Variant type: single nucleotide variant.
Coding change: c.155G>T on transcript NM_003361.4 (MANE Select); coding-DNA position 155, G replaced by T.
Protein change: p.Cys52Phe; replaces cysteine 52 with phenylalanine.
Molecular consequence: missense variant. On other transcripts: non-coding transcript variant (1).
Genome position (GRCh38, 1-based): chr16:20,349,146, C>A on the plus strand (G>T on the coding strand, the complement: UMOD is on the minus strand). VCF-style: chr16-20349146-C-A. GRCh37 (hg19) VCF-style: chr16-20360468-C-A.
Other names: c.155G>T, p.Cys52Phe (NM_001008389.3, NM_001378232.1, NM_001378233.1 and 3 more transcripts); c.254G>T, p.Cys85Phe (NM_001278614.2); short protein forms C52F, C85F.
Identifiers: ClinVar variation 1334525 (VCV001334525.4), dbSNP rs2141677115, ClinGen allele CA394987832.
Genomic context (GRCh38, chr16:20,349,146, plus strand): 5'-GGAATGGCGCACTCATCCAGGTCCACGCAGGTCAGGCCATCGCCGGTGAAGCCCTCCTGA[C>A]AGGTGCACGTCGTAACGGCCTCATCCTCCGTGCAGGTGGCATTGCTGTGACATTCAGAGC-3'
Protein context (NP_003352.2, residues 42-62): TEDEAVTTCT[Cys52Phe]QEGFTGDGLT